The following is an entry in ClinVar:

ClinVar aggregate classification (germline): Uncertain significance (1 of 4 stars; one submission).

Conditions:
Inborn genetic diseases. Identifiers: MedGen C0950123, MeSH D030342.

Allele frequency attached by ClinVar (database versions not stated): gnomAD exomes below 0.00001.
gnomAD v4.1: 2 of 1,552,786 alleles (0.00013%); highest among the groups gnomAD compares: Non-Finnish European, 0.00017%; no homozygotes.

Submission:

Ambry Genetics
Classification: Uncertain significance for Inborn genetic diseases. Last evaluated: 2024-02-16. Review status: criteria provided, single submitter. Criteria: Ambry Variant Classification Scheme 2023. Collection method: clinical testing. Allele origin: germline.
Comment: The p.G331D variant (also known as c.992G>A), located in coding exon 11 of the ERCC2 gene, results from a G to A substitution at nucleotide position 992. The glycine at codon 331 is replaced by aspartic acid, an amino acid with similar properties. This amino acid position is conserved. In addition, this alteration is predicted to be deleterious by in silico analysis. Based on the available evidence, the clinical significance of this alteration remains unclear.

NM_000400.4(ERCC2):c.992G>A (p.Gly331Asp)

Gene: ERCC2 (ERCC excision repair 2, TFIIH core complex helicase subunit; minus strand). Cytogenetic location: 19q13.32.
Variant type: single nucleotide variant.
Coding change: c.992G>A on transcript NM_000400.4 (MANE Select); coding-DNA position 992, G replaced by A.
Protein change: p.Gly331Asp; replaces glycine 331 with aspartic acid.
Molecular consequence: missense variant.
Genome position (GRCh38, 1-based): chr19:45,363,869, C>T on the plus strand (G>A on the coding strand, the complement: ERCC2 is on the minus strand). VCF-style: chr19-45363869-C-T. GRCh37 (hg19) VCF-style: chr19-45867127-C-T.
Other names: c.920G>A, p.Gly307Asp (NM_001130867.2); short protein forms G307D, G331D.
Identifiers: ClinVar variation 3231727 (VCV003231727.1), dbSNP rs2514028851, ClinGen allele CA406372959.